The following is an entry in ClinVar:

NM_002495.4(NDUFS4):c.290_291insTGTATAAGAGACA (p.Trp97delinsCysValTer)

Gene: NDUFS4 (NADH:ubiquinone oxidoreductase subunit S4; plus strand). Cytogenetic location: 5q11.2.
Variant type: Insertion.
Coding change: c.290_291insTGTATAAGAGACA on transcript NM_002495.4 (MANE Select); coding-DNA positions 290 to 291, TGTATAAGAGACA inserted.
Protein change: p.Trp97delinsCysValTer.
Molecular consequence: nonsense. On other transcripts: non-coding transcript variant (3).
Genome position: GRCh38 VCF-style: chr5-53646345-G-GTGTATAAGAGACA. GRCh37 (hg19) VCF-style: chr5-52942175-G-GTGTATAAGAGACA.
Other names: c.290_291insTGTATAAGAGACA, p.Trp97delinsCysValTer (NM_001318051.2).
Identifiers: ClinVar variation 5011178 (VCV005011178.1).

ClinVar aggregate classification (germline): Pathogenic (1 of 4 stars; one submission).

Conditions:
Mitochondrial complex I deficiency, nuclear type 1. Also called: NADH-COENZYME Q REDUCTASE DEFICIENCY; MITOCHONDRIAL NADH DEHYDROGENASE COMPONENT OF COMPLEX I, DEFICIENCY OF. Identifiers: MedGen C6022305, MONDO:0100224, OMIM 252010.

Submission:

Myriad Genetics, Inc.
Classification: Pathogenic for Mitochondrial complex I deficiency, nuclear type 1. Last evaluated: 2024-05-14. Review status: criteria provided, single submitter. Criteria: Myriad Autosomal Dominant, Autosomal Recessive and X-Linked Classification Criteria (2023). Collection method: clinical testing. Allele origin: unknown.
Comment: NM_002495.2(NDUFS4):c.290_291ins13(W97Cfs*3) is expected to be pathogenic in the context of mitochondrial complex I deficiency, NDUFS4-related. This variant is predicted to lead to an abnormal or absent protein product due to the creation of a premature termination codon in NDUFS4, a gene where loss-of-function variants are known to be pathogenic. Please note: this variant was assessed in the context of healthy population screening.